The following is an entry in ClinVar:

ClinVar aggregate classification (germline): Uncertain significance. Review status: criteria provided, multiple submitters, no conflicts (2 of 4 stars). 2 submissions from 2 submitters: Uncertain significance (2). Last evaluated 2024-05-06.

Submissions (2):

Labcorp Genetics (formerly Invitae), Labcorp
Classification: Uncertain significance. Last evaluated: 2024-05-06. Review status: criteria provided, single submitter. Criteria: Invitae Variant Classification Sherloc (09022015). Collection method: clinical testing. Allele origin: germline.
Comment: This sequence change replaces alanine, which is neutral and non-polar, with valine, which is neutral and non-polar, at codon 427 of the DEAF1 protein (p.Ala427Val). This variant is not present in population databases (gnomAD no frequency). This variant has not been reported in the literature in individuals affected with DEAF1-related conditions. ClinVar contains an entry for this variant (Variation ID: 2572936). Advanced modeling of protein sequence and biophysical properties (such as structural, functional, and spatial information, amino acid conservation, physicochemical variation, residue mobility, and thermodynamic stability) has been performed at Invitae for this missense variant, however the output from this modeling did not meet the statistical confidence thresholds required to predict the impact of this variant on DEAF1 protein function. In summary, the available evidence is currently insufficient to determine the role of this variant in disease. Therefore, it has been classified as a Variant of Uncertain Significance.

GeneDx
Classification: Uncertain significance. Last evaluated: 2023-01-17. Review status: criteria provided, single submitter. Criteria: GeneDx Variant Classification Process June 2021. Collection method: clinical testing. Allele origin: germline. Affected: yes.
Comment: Not observed at significant frequency in large population cohorts (gnomAD); In silico analysis supports that this missense variant does not alter protein structure/function; Has not been previously published as pathogenic or benign to our knowledge

NM_021008.4(DEAF1):c.1280C>T (p.Ala427Val)

Genes: DEAF1 (DEAF1 transcription factor; minus strand), LOC126861109 (BRD4-independent group 4 enhancer GRCh37_chr11:673917-675116; plus strand). Cytogenetic location: 11p15.5.
Variant type: single nucleotide variant.
Coding change: c.1280C>T on transcript NM_021008.4 (MANE Select); coding-DNA position 1280, C replaced by T.
Protein change: p.Ala427Val; replaces alanine 427 with valine.
Molecular consequence: missense variant.
Genome position (GRCh38, 1-based): chr11:674,759, G>A on the plus strand (C>T on the coding strand, the complement: DEAF1 is on the minus strand). VCF-style: chr11-674759-G-A. GRCh37 (hg19) VCF-style: chr11-674759-G-A.
Other names: c.1013C>T, p.Ala338Val (NM_001293634.2); c.554C>T, p.Ala185Val (NM_001367390.1); short protein forms A185V, A338V, A427V.
Identifiers: ClinVar variation 2572936 (VCV002572936.3), dbSNP rs866708744, ClinGen allele CA216901187.
Genomic context (GRCh38, chr11:674,759, plus strand): 5'-AGCTCCAGCCCATTGACCAACGCGGGAGGTGCCGCTTTGGTGGGAGTCGGGGGTGGGACC[G>A]CCAGCGCAGGCAGGGATGTCAACACTAGAGCATTTGGAAAGCAAAACAAACCAAGAAATT-3'
Protein context (NP_066288.2, residues 417-437): KIVLTSLPAL[Ala427Val]VPPPTPTKAA